The following is an entry in ClinVar:

NM_001134407.3(GRIN2A):c.3365G>C (p.Gly1122Ala)

Gene: GRIN2A (glutamate ionotropic receptor NMDA type subunit 2A; minus strand). Cytogenetic location: 16p13.2.
Variant type: single nucleotide variant.
Coding change: c.3365G>C on transcript NM_001134407.3 (MANE Select); coding-DNA position 3365, G replaced by C.
Protein change: p.Gly1122Ala; replaces glycine 1122 with alanine.
Molecular consequence: missense variant.
Genome position (GRCh38, 1-based): chr16:9,764,179, C>G on the plus strand (G>C on the coding strand, the complement: GRIN2A is on the minus strand). VCF-style: chr16-9764179-C-G. GRCh37 (hg19) VCF-style: chr16-9858036-C-G.
Other names: c.3365G>C, p.Gly1122Ala (NM_000833.5, NM_001134408.2); short protein forms G1122A.
Identifiers: ClinVar variation 1730657 (VCV001730657.8), dbSNP rs760885908, ClinGen allele CA394708028.

ClinVar aggregate classification (germline): Conflicting classifications of pathogenicity. Review status: criteria provided, conflicting classifications (1 of 4 stars). 3 submissions from 3 submitters: Uncertain significance (2); Likely benign (1). Last evaluated 2026-02-01.

Conditions:
Landau-Kleffner syndrome (FESD). Also called: EPILEPSY, FOCAL, WITH SPEECH DISORDER AND WITH OR WITHOUT MENTAL RETARDATION; APHASIA, ACQUIRED, WITH EPILEPSY. Identifiers: Orphanet 1945, Orphanet 725, Orphanet 98818, MedGen C0282512, MONDO:0009509, OMIM 245570.
Inborn genetic diseases. Identifiers: MedGen C0950123, MeSH D030342.

Allele frequency attached by ClinVar (database versions not stated): gnomAD exomes 0.00001.
gnomAD v4.1: 13 of 1,613,600 alleles (0.00081%); highest among the groups gnomAD compares: Non-Finnish European, 0.0011%; no homozygotes.

Submissions (3):

CeGaT Center for Human Genetics Tuebingen
Classification: Uncertain significance. Last evaluated: 2026-02-01. Review status: criteria provided, single submitter. Criteria: CeGaT Center For Human Genetics Tuebingen Variant Classification Criteria Version 2. Collection method: clinical testing. Allele origin: germline. Affected: yes. Observed: 1 variant allele.
Comment: GRIN2A: PM2:Supporting, BP4

Labcorp Genetics (formerly Invitae), Labcorp
Classification: Likely benign for Landau-Kleffner syndrome. Last evaluated: 2025-01-13. Review status: criteria provided, single submitter. Criteria: Invitae Variant Classification Sherloc (09022015). Collection method: clinical testing. Allele origin: germline.

Ambry Genetics
Classification: Uncertain significance for Inborn genetic diseases. Last evaluated: 2020-08-03. Review status: criteria provided, single submitter. Criteria: Ambry Variant Classification Scheme 2023. Collection method: clinical testing. Allele origin: germline.
Comment: The p.G1122A variant (also known as c.3365G>C), located in coding exon 12 of the GRIN2A gene, results from a G to C substitution at nucleotide position 3365. The glycine at codon 1122 is replaced by alanine, an amino acid with similar properties. This variant has been detected in a schizophrenia cohort (Frank RA et al. PLoS ONE, 2011 Apr;6:e19011). This amino acid position is not well conserved in available vertebrate species, and alanine is the reference amino acid in other vertebrate species. In addition, this alteration is predicted to be tolerated by in silico analysis. Since supporting evidence is limited at this time, the clinical significance of this alteration remains unclear.

Literature cited by the submitters: PubMed 21559497 (cited by Ambry Genetics).